The following is an entry in ClinVar:

NM_001290060.2(SEMA3B):c.1223T>C (p.Met408Thr)

Gene: SEMA3B (semaphorin 3B; plus strand). Cytogenetic location: 3p21.31.
Variant type: single nucleotide variant.
Coding change: c.1223T>C on transcript NM_001290060.2 (MANE Select); coding-DNA position 1223, T replaced by C.
Protein change: p.Met408Thr; replaces methionine 408 with threonine.
Molecular consequence: missense variant. On other transcripts: non-coding transcript variant (1).
Genome position (GRCh38, 1-based): chr3:50,274,448, T>C. VCF-style: chr3-50274448-T-C. GRCh37 (hg19) VCF-style: chr3-50311879-T-C.
Other names: c.1220T>C, p.Met407Thr (NM_001005914.3, NM_001435957.1, NM_001435958.1); c.1238T>C, p.Met413Thr (NM_001290061.1); c.194T>C, p.Met65Thr (NM_001290062.2, NM_001290063.2); c.1223T>C, p.Met408Thr (NM_001435956.1, NM_004636.4); short protein forms M407T, M408T, M65T, M413T.
Identifiers: ClinVar variation 4992045 (VCV004992045.1).

ClinVar aggregate classification (germline): Uncertain significance (1 of 4 stars; one submission).

Conditions:
SEMA3B-related disorder. Also called: SEMA3B-related condition.

gnomAD v4.1: 2 of 1,532,968 alleles (0.00013%); highest among the groups gnomAD compares: African/African-American, 0.0028%; no homozygotes.

Submission:

PreventionGenetics, part of Exact Sciences
Classification: Uncertain significance for SEMA3B-related condition. Last evaluated: 2025-12-03. Review status: criteria provided, single submitter. Criteria: ACMG Guidelines, 2015. Collection method: clinical testing. Allele origin: germline.
Comment: The SEMA3B c.1238T>C variant is predicted to result in the amino acid substitution p.Met413Thr. To our knowledge, this variant has not been reported in the literature. This variant is reported in 0.013% of alleles in individuals of African descent in gnomAD. At this time, the clinical significance of this variant is uncertain due to the absence of conclusive functional and genetic evidence.